The following is an entry in ClinVar:

NM_020458.4(TTC7A):c.1297G>T (p.Ala433Ser)

Gene: TTC7A (tetratricopeptide repeat domain 7A; plus strand). Cytogenetic location: 2p21.
Variant type: single nucleotide variant.
Coding change: c.1297G>T on transcript NM_020458.4 (MANE Select); coding-DNA position 1297, G replaced by T.
Protein change: p.Ala433Ser; replaces alanine 433 with serine.
Molecular consequence: missense variant.
Genome position (GRCh38, 1-based): chr2:47,011,340, G>T. VCF-style: chr2-47011340-G-T. GRCh37 (hg19) VCF-style: chr2-47238479-G-T.
Other names: c.1297G>T, p.Ala433Ser (NM_001288951.2); c.1195G>T, p.Ala399Ser (NM_001288953.2); c.235G>T, p.Ala79Ser (NM_001288955.2); short protein forms A399S, A433S, A79S.
Identifiers: ClinVar variation 1711498 (VCV001711498.30), dbSNP rs925918293, ClinGen allele CA346715233.

ClinVar aggregate classification (germline): Uncertain significance (1 of 4 stars; one submission).

Submission:

CeGaT Center for Human Genetics Tuebingen
Classification: Uncertain significance. Last evaluated: 2022-09-01. Review status: criteria provided, single submitter. Criteria: CeGaT Center For Human Genetics Tuebingen Variant Classification Criteria Version 2. Collection method: clinical testing. Allele origin: germline. Affected: yes. Observed: 1 variant allele.
Comment: TTC7A: PM2